The following is an entry in ClinVar:

ClinVar aggregate classification (germline): Pathogenic (1 of 4 stars; one submission).

Submission:

ARUP Laboratories, Molecular Genetics and Genomics, ARUP Laboratories
Classification: Pathogenic. Last evaluated: 2018-03-07. Review status: criteria provided, single submitter. Criteria: ARUP Molecular Germline Variant Investigation Process. Collection method: clinical testing. Allele origin: germline.
Comment: The PKD1 c.8590G>T; p.Glu2864Ter variant has been reported in at least 2 individuals affected with autosomal dominant polycystic kidney disease (Liu 2015). It is absent from general population databases (1000 Genomes Project, Exome Variant Server, and Genome Aggregation Database), indicating it is not a common polymorphism. This variant induces an early termination codon and is predicted to result in a truncated protein or mRNA subject to nonsense-mediated decay. Based on the above information, this variant is considered pathogenic. References: Liu Y et al. Targeted Next-Generation Sequencing for Clinical Diagnosis of 561 Mendelian Diseases. PLoS One. 2015; 10(8): e0133636.

NM_001009944.3(PKD1):c.8590G>T (p.Glu2864Ter)

Gene: PKD1 (polycystin 1, transient receptor potential channel interacting; minus strand). Cytogenetic location: 16p13.3.
Variant type: single nucleotide variant.
Coding change: c.8590G>T on transcript NM_001009944.3 (MANE Select); coding-DNA position 8590, G replaced by T.
Protein change: p.Glu2864Ter; replaces glutamic acid 2864 with a stop codon.
Molecular consequence: nonsense.
Genome position (GRCh38, 1-based): chr16:2,103,467, C>A on the plus strand (G>T on the coding strand, the complement: PKD1 is on the minus strand). VCF-style: chr16-2103467-C-A. GRCh37 (hg19) VCF-style: chr16-2153468-C-A.
Other names: c.8590G>T, p.Glu2864Ter (NM_000296.4); short protein forms E2864*.
Identifiers: ClinVar variation 618820 (VCV000618820.8), dbSNP rs374629549, ClinGen allele CA394362695.